The following is an entry in ClinVar:

ClinVar aggregate classification (germline): Uncertain significance (1 of 4 stars; one submission).

Allele frequency attached by ClinVar (database versions not stated): gnomAD 0.00001; gnomAD exomes 0.00002.
gnomAD v4.1: 15 of 1,611,428 alleles (0.00093%); highest among the groups gnomAD compares: African/African-American, 0.0013%; no homozygotes.

Submissions (2):

Labcorp Genetics (formerly Invitae), Labcorp
Classification: Uncertain significance. Last evaluated: 2025-08-21. Review status: criteria provided, single submitter. Criteria: Invitae Variant Classification Sherloc (09022015). Collection method: clinical testing. Allele origin: germline.
Comment: This sequence change replaces asparagine, which is neutral and polar, with serine, which is neutral and polar, at codon 131 of the GATAD2B protein (p.Asn131Ser). This variant is present in population databases (no rsID available, gnomAD 0.02%). This variant has not been reported in the literature in individuals affected with GATAD2B-related conditions. ClinVar contains an entry for this variant (Variation ID: 2805265). Invitae Evidence Modeling of protein sequence and biophysical properties (such as structural, functional, and spatial information, amino acid conservation, physicochemical variation, residue mobility, and thermodynamic stability) indicates that this missense variant is not expected to disrupt GATAD2B protein function with a negative predictive value of 80%. Algorithms developed to predict the effect of sequence changes on RNA splicing suggest that this variant may create or strengthen a splice site. In summary, the available evidence is currently insufficient to determine the role of this variant in disease. Therefore, it has been classified as a Variant of Uncertain Significance.

Dr. Peter K. Rogan Lab, Western University
No classification provided (evidence only). Condition: Malignant tumor of urinary bladder. Review status: no classification provided. Collection method: in vitro. Allele origin: not applicable. Functional consequence: retained intron. Not counted in ClinVar's aggregate classification.

NM_020699.4(GATAD2B):c.392A>G (p.Asn131Ser)

Gene: GATAD2B (GATA zinc finger domain containing 2B; minus strand). Cytogenetic location: 1q21.3.
Variant type: single nucleotide variant.
Coding change: c.392A>G on transcript NM_020699.4 (MANE Select); coding-DNA position 392, A replaced by G.
Protein change: p.Asn131Ser; replaces asparagine 131 with serine.
Molecular consequence: missense variant.
Genome position (GRCh38, 1-based): chr1:153,819,679, T>C on the plus strand (A>G on the coding strand, the complement: GATAD2B is on the minus strand). VCF-style: chr1-153819679-T-C. GRCh37 (hg19) VCF-style: chr1-153792155-T-C.
Other names: short protein forms N131S.
Identifiers: ClinVar variation 2805265 (VCV002805265.4), dbSNP rs1430189525, ClinGen allele CA342535472.